The following is an entry in ClinVar:

NC_000023.10:g.(?_32459277)_(32867957_?)del

Gene: DMD (dystrophin; minus strand). Cytogenetic location: Xp21.1.
Variant type: Deletion.
Identifiers: ClinVar variation 3247776 (VCV003247776.1).

ClinVar aggregate classification (germline): Pathogenic (1 of 4 stars; one submission).

Conditions:
Duchenne muscular dystrophy (DMD). Also called: MUSCULAR DYSTROPHY, PSEUDOHYPERTROPHIC PROGRESSIVE, DUCHENNE TYPE; Duchenne Muscular Dystrophy (DMD). Identifiers: Orphanet 98896, MedGen C0013264, MONDO:0010679, OMIM 310200.

Submission:

Labcorp Genetics (formerly Invitae), Labcorp
Classification: Pathogenic for Duchenne muscular dystrophy. Last evaluated: 2023-02-04. Review status: criteria provided, single submitter. Criteria: Invitae Variant Classification Sherloc (09022015). Collection method: clinical testing. Allele origin: unknown.
Comment: This variant is a gross deletion of the genomic region encompassing exon(s) 3-28 of the DMD gene. This variant would be expected to be in-frame, preserving the integrity of the reading frame. A similar copy number variant has been observed in individual(s) with DMD-related conditions (PMID: 18403565, 31672265). The region of the DMD gene that includes exon(s) 13 has been determined to be clinically significant (PMID: 18353051, 22379338, 28116794, 28610567). Therefore, deletions that encompass that region are likely to be disease-causing. For these reasons, this variant has been classified as Pathogenic.

Literature cited by the submitters: PubMed 18403565; PubMed 31672265; PubMed 18353051; PubMed 22379338; PubMed 28116794; PubMed 28610567.